The following is an entry in ClinVar:

ClinVar aggregate classification (germline): Uncertain significance (1 of 4 stars; one submission).

Submission:

Labcorp Genetics (formerly Invitae), Labcorp
Classification: Uncertain significance. Last evaluated: 2022-09-27. Review status: criteria provided, single submitter. Criteria: Invitae Variant Classification Sherloc (09022015). Collection method: clinical testing. Allele origin: germline.
Comment: This variant results in a copy number gain of the genomic region encompassing exon(s) 1-4 of the TMEM230 gene. This region includes the initiator codon of the gene. This copy number gain extends beyond the assayed region for this gene and therefore may encompass additional genes. As the precise location of this event is unknown, it may be in tandem or it may be located elsewhere in the genome. In summary, the available evidence is currently insufficient to determine the role of this variant in disease. Therefore, it has been classified as a Variant of Uncertain Significance. This variant has not been reported in the literature in individuals affected with TMEM230-related conditions.

NC_000020.10:g.(?_5086814)_(5295015_?)dup

Genes: CDS2 (CDP-diacylglycerol synthase 2; plus strand), PCNA (proliferating cell nuclear antigen; minus strand), PCNA-AS1 (PCNA antisense RNA 1; plus strand), PROKR2 (prokineticin receptor 2; minus strand), TMEM230 (transmembrane protein 230; minus strand). Cytogenetic location: 20p13-12.3.
Variant type: Duplication.
Identifiers: ClinVar variation 2423462 (VCV002423462.4).